The following is an entry in ClinVar:

NM_004304.5(ALK):c.4228A>G (p.Lys1410Glu)

Gene: ALK (ALK receptor tyrosine kinase; minus strand). Cytogenetic location: 2p23.2.
Variant type: single nucleotide variant.
Coding change: c.4228A>G on transcript NM_004304.5 (MANE Select); coding-DNA position 4228, A replaced by G.
Protein change: p.Lys1410Glu; replaces lysine 1410 with glutamic acid.
Molecular consequence: missense variant.
Genome position (GRCh38, 1-based): chr2:29,193,859, T>C on the plus strand (A>G on the coding strand, the complement: ALK is on the minus strand). VCF-style: chr2-29193859-T-C. GRCh37 (hg19) VCF-style: chr2-29416725-T-C.
Other names: c.1024A>G, p.Lys342Glu (NM_001353765.2); short protein forms K1410E, K342E.
Identifiers: ClinVar variation 859785 (VCV000859785.12), dbSNP rs755276699, ClinGen allele CA1593616.

ClinVar aggregate classification (germline): Uncertain significance. Review status: criteria provided, multiple submitters, no conflicts (2 of 4 stars). 2 submissions from 2 submitters: Uncertain significance (2). Last evaluated 2024-04-10.

Conditions:
Neuroblastoma, susceptibility to, 3. Also called: ALK-Related Neuroblastic Tumor Susceptibility. Identifiers: Orphanet 635, MedGen C2751681, MONDO:0013083, OMIM 613014.
Hereditary cancer-predisposing syndrome. Also called: Hereditary neoplastic syndrome; Tumor predisposition; Neoplastic Syndromes, Hereditary; Hereditary Cancer Syndrome. Identifiers: Orphanet 140162, MedGen C0027672, MeSH D009386, MONDO:0015356.

Allele frequency attached by ClinVar (database versions not stated): gnomAD exomes below 0.00001 and 0.00001; ExAC 0.00001.
gnomAD v4.1: 4 of 1,613,898 alleles (0.00025%); highest among the groups gnomAD compares: South Asian, 0.0044%; no homozygotes.

Submissions (2):

Labcorp Genetics (formerly Invitae), Labcorp
Classification: Uncertain significance for Neuroblastoma, susceptibility to, 3. Last evaluated: 2024-04-10. Review status: criteria provided, single submitter. Criteria: Invitae Variant Classification Sherloc (09022015). Collection method: clinical testing. Allele origin: germline.
Comment: This sequence change replaces lysine, which is basic and polar, with glutamic acid, which is acidic and polar, at codon 1410 of the ALK protein (p.Lys1410Glu). This variant is present in population databases (rs755276699, gnomAD 0.007%). This variant has not been reported in the literature in individuals affected with ALK-related conditions. ClinVar contains an entry for this variant (Variation ID: 859785). An algorithm developed to predict the effect of missense changes on protein structure and function (PolyPhen-2) suggests that this variant is likely to be disruptive. In summary, the available evidence is currently insufficient to determine the role of this variant in disease. Therefore, it has been classified as a Variant of Uncertain Significance.

Ambry Genetics
Classification: Uncertain significance for Hereditary cancer-predisposing syndrome. Last evaluated: 2022-06-21. Review status: criteria provided, single submitter. Criteria: Ambry Variant Classification Scheme 2023. Collection method: clinical testing. Allele origin: germline.
Comment: The p.K1410E variant (also known as c.4228A>G), located in coding exon 29 of the ALK gene, results from an A to G substitution at nucleotide position 4228. The lysine at codon 1410 is replaced by glutamic acid, an amino acid with similar properties. This amino acid position is conserved. In addition, the in silico prediction for this alteration is inconclusive. Since supporting evidence is limited at this time, the clinical significance of this alteration remains unclear.